The following is an entry in ClinVar:

ClinVar aggregate classification (germline): Uncertain significance (1 of 4 stars; one submission).

Allele frequency attached by ClinVar (database versions not stated): gnomAD exomes below 0.00001; ExAC 0.00001.
gnomAD v4.1: 3 of 1,612,268 alleles (0.00019%); highest among the groups gnomAD compares: African/African-American, 0.004%; no homozygotes.

Submission:

Labcorp Genetics (formerly Invitae), Labcorp
Classification: Uncertain significance. Last evaluated: 2022-03-04. Review status: criteria provided, single submitter. Criteria: Invitae Variant Classification Sherloc (09022015). Collection method: clinical testing. Allele origin: germline.
Comment: In summary, the available evidence is currently insufficient to determine the role of this variant in disease. Therefore, it has been classified as a Variant of Uncertain Significance. Algorithms developed to predict the effect of missense changes on protein structure and function (SIFT, PolyPhen-2, Align-GVGD) all suggest that this variant is likely to be tolerated. This variant has not been reported in the literature in individuals affected with ADAMTS10-related conditions. This variant is present in population databases (rs782184264, gnomAD no frequency). This sequence change replaces asparagine, which is neutral and polar, with histidine, which is basic and polar, at codon 50 of the ADAMTS10 protein (p.Asn50His).

NM_030957.4(ADAMTS10):c.148A>C (p.Asn50His)

Gene: ADAMTS10 (ADAM metallopeptidase with thrombospondin type 1 motif 10; minus strand). Cytogenetic location: 19p13.2.
Variant type: single nucleotide variant.
Coding change: c.148A>C on transcript NM_030957.4 (MANE Select); coding-DNA position 148, A replaced by C.
Protein change: p.Asn50His; replaces asparagine 50 with histidine.
Molecular consequence: missense variant.
Genome position (GRCh38, 1-based): chr19:8,605,299, T>G on the plus strand (A>C on the coding strand, the complement: ADAMTS10 is on the minus strand). VCF-style: chr19-8605299-T-G. GRCh37 (hg19) VCF-style: chr19-8670184-T-G.
Other names: short protein forms N50H.
Identifiers: ClinVar variation 1906917 (VCV001906917.5), dbSNP rs782184264, ClinGen allele CA9160919.
Genomic context (GRCh38, chr19:8,605,299, plus strand): 5'-CCCCCGTGCCGCGGCGCTGCCTCCGGGGAGGAGGTGGCGAGAAGGCCAGCAGTGCCCCGT[T>G]GTGGTCCACGCGGGTGGGGAAGGCGATCTCATAGCTCTCCAGACTGGACAGGAACTCATC-3'
Protein context (NP_112219.3, residues 40-60): EIAFPTRVDH[Asn50His]GALLAFSPPP